The following is an entry in ClinVar:

ClinVar aggregate classification (germline): Uncertain significance (1 of 4 stars; one submission).

Submission:

GeneDx
Classification: Uncertain significance. Last evaluated: 2024-12-13. Review status: criteria provided, single submitter. Criteria: GeneDx Variant Classification Process June 2021. Collection method: clinical testing. Allele origin: germline. Affected: yes.
Comment: Not observed at significant frequency in large population cohorts (gnomAD); In silico analysis indicates that this missense variant does not alter protein structure/function; Has not been previously published as pathogenic or benign to our knowledge

NM_006593.4(TBR1):c.1639G>A (p.Ala547Thr)

Gene: TBR1 (T-box brain transcription factor 1; plus strand). Cytogenetic location: 2q24.2.
Variant type: single nucleotide variant.
Coding change: c.1639G>A on transcript NM_006593.4 (MANE Select); coding-DNA position 1639, G replaced by A.
Protein change: p.Ala547Thr; replaces alanine 547 with threonine.
Molecular consequence: missense variant.
Genome position (GRCh38, 1-based): chr2:161,423,817, G>A. VCF-style: chr2-161423817-G-A. GRCh37 (hg19) VCF-style: chr2-162280328-G-A.
Other names: short protein forms A547T.
Identifiers: ClinVar variation 3903031 (VCV003903031.1).